The following is an entry in ClinVar:

ClinVar aggregate classification (germline): Uncertain significance. Review status: criteria provided, multiple submitters, no conflicts (2 of 4 stars). 2 submissions from 2 submitters: Uncertain significance (2). Last evaluated 2024-02-15.

Conditions:
BLOOD GROUP--DIEGO SYSTEM (DI). Identifiers: MedGen C1292286, OMIM 110500.
BLOOD GROUP, WALDNER (WD). Also called: WALDNER BLOOD GROUP ANTIGEN. Identifiers: MedGen C1862191, OMIM 112010.
BLOOD GROUP--FROESE (FR). Also called: FROESE BLOOD GROUP ANTIGEN. Identifiers: MedGen C1832168, OMIM 601551.
BLOOD GROUP--WRIGHT ANTIGEN (WR). Identifiers: MedGen C1862190, OMIM 112050.
BLOOD GROUP--SWANN SYSTEM (SW). Also called: SWANN BLOOD GROUP. Identifiers: MedGen C1832169, OMIM 601550.
Southeast Asian ovalocytosis. Also called: Elliptocytosis 4; HE, STOMATOCYTIC; Stomatocytic elliptocytosis, hereditary; Ovalocytosis, Malaysian-Melanesian-Filipino type. Identifiers: Orphanet 98868, MedGen C1862322, MONDO:0008165, OMIM 166900.
Malaria, susceptibility to. Identifiers: Orphanet 673, MedGen C1970028, MONDO:0021024, OMIM 611162.
Hereditary spherocytosis type 4. Also called: SLC4A1-Related Spherocytosis. Identifiers: Orphanet 822, MedGen C2675212, MONDO:0012981, OMIM 612653.
Cryohydrocytosis. Also called: Hereditary cryohydrocytosis with normal stomatin; STOMATOCYTOSIS, COLD-SENSITIVE; CRYOHYDROCYTOSIS DUE TO BAND 3 HEMEL; CRYOHYDROCYTOSIS DUE TO BAND 3 HURSTPIERPOINT; CRYOHYDROCYTOSIS DUE TO BAND 3 BLACKBURN. Identifiers: Orphanet 398088, MedGen C1861453, MONDO:0008494, OMIM 185020.
Autosomal dominant distal renal tubular acidosis (DRTA1). Also called: RTA, CLASSIC TYPE; RTA, DISTAL TYPE, AUTOSOMAL DOMINANT; RTA, GRADIENT TYPE; Renal Tubular Acidosis, Type I; RENAL TUBULAR ACIDOSIS, DISTAL, 1. Identifiers: Orphanet 93608, MedGen CN280572, MONDO:0008368, OMIM 179800.
Renal tubular acidosis, distal, 4, with hemolytic anemia. Also called: Renal Tubular Acidosis, Distal, with Hemolytic Anemia. Identifiers: Orphanet 93610, MedGen C5436235, MONDO:0012700, OMIM 611590.

Allele frequency attached by ClinVar (database versions not stated): TOPMed 0.00002.
gnomAD v4.1: 2 of 1,613,774 alleles (0.00012%); highest among the groups gnomAD compares: Non-Finnish European, 0.00017%; no homozygotes.

Submissions (2):

Fulgent Genetics
Classification: Uncertain significance for BLOOD GROUP--DIEGO SYSTEM; BLOOD GROUP, WALDNER; BLOOD GROUP--WRIGHT ANTIGEN; Southeast Asian ovalocytosis; Autosomal dominant distal renal tubular acidosis; Cryohydrocytosis; BLOOD GROUP--SWANN SYSTEM; BLOOD GROUP--FROESE; Malaria, susceptibility to; Renal tubular acidosis, distal, 4, with hemolytic anemia; Hereditary spherocytosis type 4. Last evaluated: 2024-02-15. Review status: criteria provided, single submitter. Criteria: ACMG Guidelines, 2015. Collection method: clinical testing. Allele origin: germline.

Labcorp Genetics (formerly Invitae), Labcorp
Classification: Uncertain significance. Last evaluated: 2019-11-28. Review status: criteria provided, single submitter. Criteria: Invitae Variant Classification Sherloc (09022015). Collection method: clinical testing. Allele origin: germline.
Comment: In summary, the available evidence is currently insufficient to determine the role of this variant in disease. Therefore, it has been classified as a Variant of Uncertain Significance. This sequence change replaces glutamic acid with lysine at codon 906 of the SLC4A1 protein (p.Glu906Lys). The glutamic acid residue is moderately conserved and there is a small physicochemical difference between glutamic acid and lysine. This variant is not present in population databases (ExAC no frequency). This variant has not been reported in the literature in individuals with SLC4A1-related conditions. Algorithms developed to predict the effect of missense changes on protein structure and function are either unavailable or do not agree on the potential impact of this missense change (SIFT: "Tolerated"; PolyPhen-2: "Probably Damaging"; Align-GVGD: "Class C0").

NM_000342.4(SLC4A1):c.2716G>A (p.Glu906Lys)

Gene: SLC4A1 (solute carrier family 4 member 1 (Diego blood group); minus strand). Cytogenetic location: 17q21.31.
Variant type: single nucleotide variant.
Coding change: c.2716G>A on transcript NM_000342.4 (MANE Select); coding-DNA position 2716, G replaced by A.
Protein change: p.Glu906Lys; replaces glutamic acid 906 with lysine.
Molecular consequence: missense variant.
Genome position (GRCh38, 1-based): chr17:44,250,478, C>T on the plus strand (G>A on the coding strand, the complement: SLC4A1 is on the minus strand). VCF-style: chr17-44250478-C-T. GRCh37 (hg19) VCF-style: chr17-42327846-C-T.
Other names: short protein forms E906K.
Identifiers: ClinVar variation 860327 (VCV000860327.10), dbSNP rs199694087, ClinGen allele CA399778920.